The following is an entry in ClinVar:

NM_032608.7(MYO18B):c.1021C>G (p.Leu341Val)

Gene: MYO18B (myosin XVIIIB; plus strand). Cytogenetic location: 22q12.1.
Variant type: single nucleotide variant.
Coding change: c.1021C>G on transcript NM_032608.7 (MANE Select); coding-DNA position 1021, C replaced by G.
Protein change: p.Leu341Val; replaces leucine 341 with valine.
Molecular consequence: missense variant.
Genome position (GRCh38, 1-based): chr22:25,768,937, C>G. VCF-style: chr22-25768937-C-G. GRCh37 (hg19) VCF-style: chr22-26164904-C-G.
Other names: c.1021C>G, p.Leu341Val (NM_001318245.2); short protein forms L341V.
Identifiers: ClinVar variation 2414847 (VCV002414847.3), dbSNP rs1040816430, ClinGen allele CA322779543.

ClinVar aggregate classification (germline): Uncertain significance (1 of 4 stars; one submission).

Allele frequency attached by ClinVar (database versions not stated): gnomAD exomes below 0.00001.
gnomAD v4.1: 4 of 1,612,172 alleles (0.00025%); highest among the groups gnomAD compares: Non-Finnish European, 0.00034%; no homozygotes.

Submission:

Labcorp Genetics (formerly Invitae), Labcorp
Classification: Uncertain significance. Last evaluated: 2022-07-12. Review status: criteria provided, single submitter. Criteria: Invitae Variant Classification Sherloc (09022015). Collection method: clinical testing. Allele origin: germline.
Comment: This sequence change replaces leucine, which is neutral and non-polar, with valine, which is neutral and non-polar, at codon 341 of the MYO18B protein (p.Leu341Val). This variant is not present in population databases (gnomAD no frequency). This variant has not been reported in the literature in individuals affected with MYO18B-related conditions. Algorithms developed to predict the effect of missense changes on protein structure and function are either unavailable or do not agree on the potential impact of this missense change (SIFT: "Not Available"; PolyPhen-2: "Benign"; Align-GVGD: "Not Available"). In summary, the available evidence is currently insufficient to determine the role of this variant in disease. Therefore, it has been classified as a Variant of Uncertain Significance.